The following is an entry in ClinVar:

NM_004036.5(ADCY3):c.946G>A (p.Glu316Lys)

Gene: ADCY3 (adenylate cyclase 3; minus strand). Cytogenetic location: 2p23.3.
Variant type: single nucleotide variant.
Coding change: c.946G>A on transcript NM_004036.5 (MANE Select); coding-DNA position 946, G replaced by A.
Protein change: p.Glu316Lys; replaces glutamic acid 316 with lysine.
Molecular consequence: missense variant.
Genome position (GRCh38, 1-based): chr2:24,842,264, C>T on the plus strand (G>A on the coding strand, the complement: ADCY3 is on the minus strand). VCF-style: chr2-24842264-C-T. GRCh37 (hg19) VCF-style: chr2-25065133-C-T.
Other names: c.946G>A, p.Glu316Lys (NM_001320613.2, NM_001377128.1, NM_001377129.1 and 2 more transcripts); c.223G>A, p.Glu75Lys (NM_001377131.1); short protein forms E75K, E316K.
Identifiers: ClinVar variation 4994116 (VCV004994116.1).
Genomic context (GRCh38, chr2:24,842,264, plus strand): 5'-CCCTCCACAGCCTGCTCTGCCATCAGAGCCCGCGCCCCGGGCCGGCGTACCTGACGTTCT[C>T]GTGACGGTACATGTACATGGTGTTGAACTGCTGCTGGTCCTTCTGGCTCTCGTCTTTCTT-3'
Protein context (NP_004027.2, residues 306-326): QFNTMYMYRH[Glu316Lys]NVSILFADIV

ClinVar aggregate classification (germline): Uncertain significance (1 of 4 stars; one submission).

Conditions:
ADCY3-related disorder. Also called: ADCY3-related condition.

gnomAD v4.1: 11 of 1,614,014 alleles (0.00068%); highest among the groups gnomAD compares: South Asian, 0.0011%; no homozygotes.

Submission:

PreventionGenetics, part of Exact Sciences
Classification: Uncertain significance for ADCY3-related condition. Last evaluated: 2025-11-17. Review status: criteria provided, single submitter. Criteria: ACMG Guidelines, 2015. Collection method: clinical testing. Allele origin: germline.
Comment: The ADCY3 c.946G>A variant is predicted to result in the amino acid substitution p.Glu316Lys. To our knowledge, this variant has not been reported in the literature. This variant is reported in 0.0033% of alleles in individuals of South Asian descent in gnomAD. At this time, the clinical significance of this variant is uncertain due to the absence of conclusive functional and genetic evidence.